The following is an entry in ClinVar:

ClinVar aggregate classification (germline): Pathogenic (1 of 4 stars; one submission).

Conditions:
Cardiovascular phenotype. Identifiers: MedGen CN230736.
Hereditary cancer-predisposing syndrome. Also called: Hereditary Cancer Syndrome; Neoplastic Syndromes, Hereditary; Tumor predisposition; Hereditary neoplastic syndrome. Identifiers: Orphanet 140162, MedGen C0027672, MeSH D009386, MONDO:0015356.

Submission:

Ambry Genetics
Classification: Pathogenic for Cardiovascular phenotype; Hereditary cancer-predisposing syndrome. Last evaluated: 2022-01-20. Review status: criteria provided, single submitter. Criteria: Ambry Variant Classification Scheme 2023. Collection method: clinical testing. Allele origin: germline.
Comment: The c.5123_5124insG pathogenic mutation, located in coding exon 36 of the NF1 gene, results from an insertion of one nucleotide at position 5123, causing a translational frameshift with a predicted alternate stop codon (p.T1709Hfs*27). This variant is considered to be rare based on population cohorts in the Genome Aggregation Database (gnomAD). This alteration is expected to result in loss of function by premature protein truncation or nonsense-mediated mRNA decay. As such, this alteration is interpreted as a disease-causing mutation.

NM_001042492.3(NF1):c.5186_5187insG (p.Thr1730fs)

Gene: NF1 (neurofibromin 1; plus strand). Cytogenetic location: 17q11.2.
Variant type: Insertion.
Coding change: c.5186_5187insG on transcript NM_001042492.3 (MANE Select); coding-DNA positions 5186 to 5187, G inserted.
Protein change: p.Thr1730fs; shifts the reading frame from threonine 1730.
Molecular consequence: frameshift variant.
Genome position: GRCh38 VCF-style: chr17-31326170-C-CG. GRCh37 (hg19) VCF-style: chr17-29653188-C-CG.
Other names: c.5123_5124insG, p.Thr1709Hisfs (NM_000267.4); short protein forms T1709fs, T1730fs.
Identifiers: ClinVar variation 1745490 (VCV001745490.2), dbSNP rs2508697962, ClinGen allele CA2580093046.
Genomic context (GRCh38, chr17:31,326,170, plus strand): 5'-TAGACTGTCCTGGGAAACTGGCTGAGCACATAGAGCATGAACAACAGAAACTACCTGCTG[C>CG]CACCTTGGCTTTAGAAGAGGACCTGAAGGTATTCCACAATGCTCTCAAGCTAGCTCACAA-3'